The following is an entry in ClinVar:

ClinVar aggregate classification (germline): Uncertain significance. Review status: criteria provided, multiple submitters, no conflicts (2 of 4 stars). 2 submissions from 2 submitters: Uncertain significance (2). Last evaluated 2026-05-06.

Conditions:
PLXNA1-related disorder. Also called: PLXNA1-related condition.

gnomAD v4.1: 17 of 1,609,798 alleles (0.0011%); highest among the groups gnomAD compares: Non-Finnish European, 0.0014%; no homozygotes.

Submissions (2):

PreventionGenetics, part of Exact Sciences
Classification: Uncertain significance for PLXNA1-related condition. Last evaluated: 2026-05-06. Review status: criteria provided, single submitter. Criteria: ACMG Guidelines, 2015. Collection method: clinical testing. Allele origin: germline.
Comment: The PLXNA1 c.3686C>T variant is predicted to result in the amino acid substitution p.Ser1229Leu. To our knowledge, this variant has not been reported in the literature. This variant is reported in 0.0098% of alleles in individuals of Ashkenazi Jewish descent in gnomAD. At this time, the clinical significance of this variant is uncertain due to the absence of conclusive functional and genetic evidence.

Ambry Genetics
Classification: Uncertain significance. Last evaluated: 2025-01-10. Review status: criteria provided, single submitter. Criteria: Ambry Variant Classification Scheme 2023. Collection method: clinical testing. Allele origin: germline.

NM_032242.4(PLXNA1):c.3686C>T (p.Ser1229Leu)

Gene: PLXNA1 (plexin A1; plus strand). Cytogenetic location: 3q21.3.
Variant type: single nucleotide variant.
Coding change: c.3686C>T on transcript NM_032242.4 (MANE Select); coding-DNA position 3686, C replaced by T.
Protein change: p.Ser1229Leu; replaces serine 1229 with leucine.
Molecular consequence: missense variant.
Genome position (GRCh38, 1-based): chr3:127,018,319, C>T. VCF-style: chr3-127018319-C-T. GRCh37 (hg19) VCF-style: chr3-126737162-C-T.
Other names: short protein forms S1229L.
Identifiers: ClinVar variation 3890721 (VCV003890721.2).
Genomic context (GRCh38, chr3:127,018,319, plus strand): 5'-TGGGAAGCTCCTGAGTGGCCTCCACCCACTGGCAGGTGCGGGCAGGTGGCTTCGAGTTCT[C>T]GCCAGGGACACTGCAGGTGTACTCGGACAGCCTGCTGACGCTGCCTGCCATTGTGGGCAT-3'
Protein context (NP_115618.3, residues 1219-1239): VTVRAGGFEF[Ser1229Leu]PGTLQVYSDS